The following is an entry in ClinVar:

NM_000304.4(PMP22):c.79-6C>T

Gene: PMP22 (peripheral myelin protein 22; minus strand). Cytogenetic location: 17p12.
Variant type: single nucleotide variant.
Coding change: c.79-6C>T on transcript NM_000304.4 (MANE Select); 6 bases into the intron before coding-DNA position 79, C replaced by T.
Molecular consequence: intron variant.
Genome position (GRCh38, 1-based): chr17:15,259,199, G>A on the plus strand (C>T on the coding strand, the complement: PMP22 is on the minus strand). VCF-style: chr17-15259199-G-A. GRCh37 (hg19) VCF-style: chr17-15162516-G-A.
Other names: c.79-6C>T (NM_001281456.2, NM_153321.3, NM_001281455.2 and 2 more transcripts).
Identifiers: ClinVar variation 321862 (VCV000321862.64), dbSNP rs201682989, ClinGen allele CA8403437.

ClinVar aggregate classification (germline): Benign/Likely benign. Review status: criteria provided, multiple submitters, no conflicts (2 of 4 stars). 12 submissions from 11 submitters: Benign (6); Likely benign (4). 2 of the submissions do not count toward it. Last evaluated 2025-12-29.

Conditions:
Guillain-Barre syndrome, familial (GBS). Identifiers: Orphanet 98916, MedGen C4083008, MONDO:0007691, OMIM 139393.
Roussy-Lévy syndrome. Also called: Roussy Levy hereditary areflexic dystasia; Roussy-Levy disease; Hereditary areflexic dystasia; Roussy-Levy Syndrome. Identifiers: Orphanet 3115, MedGen C0205713, MONDO:0008392, OMIM 180800.
Charcot-Marie-Tooth disease type 1E. Also called: CHARCOT-MARIE-TOOTH DISEASE, DEMYELINATING, TYPE 1E; CHARCOT-MARIE-TOOTH NEUROPATHY AND DEAFNESS, AUTOSOMAL DOMINANT; Charcot-Marie-Tooth disease and deafness; Charcot-Marie-Tooth Neuropathy Type 1E. Identifiers: Orphanet 90658, MedGen C3495591, MONDO:0007311, OMIM 118300.
Charcot-Marie-Tooth disease, type IA (CMT1A). Also called: CHARCOT-MARIE-TOOTH DISEASE, DEMYELINATING, TYPE 1A; CHARCOT-MARIE-TOOTH DISEASE, AUTOSOMAL DOMINANT, WITH FOCALLY FOLDED MYELIN SHEATHS, TYPE 1A; CHARCOT-MARIE-TOOTH NEUROPATHY, TYPE 1A; HEREDITARY MOTOR AND SENSORY NEUROPATHY IA; Charcot-Marie-Tooth disease type 1A; CMT 1A. Identifiers: Orphanet 101081, MedGen C0270911, MONDO:0007309, OMIM 118220.
Hereditary liability to pressure palsies (HNPP). Also called: POLYNEUROPATHY, FAMILIAL RECURRENT; TOMACULOUS NEUROPATHY; Hereditary Neuropathy with Liability to Pressure Palsies. Identifiers: Orphanet 640, MedGen C0393814, MONDO:0008087, OMIM 162500.
Dejerine-Sottas disease. Also called: DEJERINE-SOTTAS NEUROPATHY; Charcot-Marie-Tooth disease type 3; HEREDITARY MOTOR AND SENSORY NEUROPATHY TYPE III; HMSN Type III; Hereditary motor and sensory neuropathy 3. Identifiers: Orphanet 64748, MedGen C0011195, MONDO:0007790, OMIM 145900.
Charcot-Marie-Tooth disease, type I (CMT1). Also called: Charcot-Marie-Tooth, Type 1; Charcot-Marie-Tooth disease type 1. Identifiers: Orphanet 65753, MedGen C0751036, MONDO:0019011.
Charcot-Marie-Tooth disease. Also called: Charcot-Marie-Tooth Hereditary Neuropathy; Charcot-Marie-Tooth Neuropathy. Identifiers: Orphanet 166, MedGen C0007959, MONDO:0015626.
Inborn genetic diseases. Identifiers: MedGen C0950123, MeSH D030342.

Allele frequency attached by ClinVar (database versions not stated): 1000 Genomes Project 0.00200; 1000 Genomes Project 30x 0.00219; gnomAD 0.00069 and 0.00086; ESP Exome Variant Server 0.00085; TOPMed 0.00085; gnomAD exomes 0.00116 and 0.00132; ExAC 0.00143.
gnomAD v4.1: 1,839 of 1,604,760 alleles (0.11%); highest among the groups gnomAD compares: South Asian, 0.49%; 7 homozygotes.

Submissions (12):

Labcorp Genetics (formerly Invitae), Labcorp
Classification: Benign for Charcot-Marie-Tooth disease, type I. Last evaluated: 2025-12-29. Review status: criteria provided, single submitter. Criteria: Invitae Variant Classification Sherloc (09022015). Collection method: clinical testing. Allele origin: germline.

Blueprint Genetics
Classification: Likely benign. Last evaluated: 2024-11-11. Review status: criteria provided, single submitter. Criteria: ACMG Guidelines, 2015. Collection method: clinical testing. Allele origin: germline.

CeGaT Center for Human Genetics Tuebingen
Classification: Likely benign. Last evaluated: 2024-09-01. Review status: criteria provided, single submitter. Criteria: CeGaT Center For Human Genetics Tuebingen Variant Classification Criteria Version 2. Collection method: clinical testing. Allele origin: germline. Affected: yes. Observed: 7 variant alleles.
Comment: PMP22: BP4, BS2

ARUP Laboratories, Molecular Genetics and Genomics, ARUP Laboratories
Classification: Benign. Last evaluated: 2024-04-16. Review status: criteria provided, single submitter. Criteria: ARUP Molecular Germline Variant Investigation Process 2024. Collection method: clinical testing. Allele origin: germline.

Fulgent Genetics
Classification: Benign for Charcot-Marie-Tooth disease, type IA; Charcot-Marie-Tooth disease type 1E; Guillain-Barre syndrome, familial; Dejerine-Sottas disease; Hereditary liability to pressure palsies; Roussy-Lévy syndrome. Last evaluated: 2021-09-07. Review status: criteria provided, single submitter. Criteria: ACMG Guidelines, 2015. Collection method: clinical testing. Allele origin: unknown.

GeneDx
Classification: Benign. Last evaluated: 2020-07-16. Review status: criteria provided, single submitter. Criteria: GeneDx Variant Classification Process June 2021. Collection method: clinical testing. Allele origin: germline. Affected: yes.

Ambry Genetics
Classification: Likely benign for Inborn genetic diseases. Last evaluated: 2019-10-23. Review status: criteria provided, single submitter. Criteria: Ambry Variant Classification Scheme 2023. Collection method: clinical testing. Allele origin: germline.

Illumina Laboratory Services, Illumina
Classification: Benign for Hereditary liability to pressure palsies. Last evaluated: 2018-01-13. Review status: criteria provided, single submitter. Criteria: ICSL Variant Classification Criteria 13 December 2019. Collection method: clinical testing. Allele origin: germline.
Comment: This variant was observed in the ICSL laboratory as part of a predisposition screen in an ostensibly healthy population. It had not been previously curated by ICSL or reported in the Human Gene Mutation Database (HGMD: prior to June 1st, 2018), and was therefore a candidate for classification through an automated scoring system. Utilizing variant allele frequency, disease prevalence and penetrance estimates, and inheritance mode, an automated score was calculated to assess if this variant is too frequent to cause the disease. Based on the score and internal cut-off values, a variant classified as benign is not then subjected to further curation. The score for this variant resulted in a classification of benign for this disease.

Illumina Laboratory Services, Illumina
Classification: Benign for Charcot-Marie-Tooth disease, type I. Last evaluated: 2018-01-13. Review status: criteria provided, single submitter. Criteria: ICSL Variant Classification Criteria 13 December 2019. Collection method: clinical testing. Allele origin: germline.
Comment: the same text as in the submission from Illumina Laboratory Services, Illumina above.

Molecular Genetics Laboratory, London Health Sciences Centre
Classification: Likely benign for Charcot-Marie-Tooth disease. Review status: criteria provided, single submitter. Criteria: ACMG Guidelines, 2015. Collection method: clinical testing. Allele origin: germline. Affected: yes.

Clinical Genetics, Academic Medical Center
Classification: Benign. Review status: no assertion criteria provided. Collection method: clinical testing. Allele origin: germline. Affected: yes. Study: VKGL Data-share Consensus. Not counted in ClinVar's aggregate classification.

Genome Diagnostics Laboratory, University Medical Center Utrecht
Classification: Benign. Review status: no assertion criteria provided. Collection method: clinical testing. Allele origin: germline. Affected: yes. Study: VKGL Data-share Consensus. Not counted in ClinVar's aggregate classification.